The following is an entry in ClinVar:

ClinVar aggregate classification (germline): Uncertain significance (1 of 4 stars; one submission).

Conditions:
Glycogen storage disease type III (GSD3). Also called: Cori disease; FORBES DISEASE. Identifiers: Orphanet 366, MedGen C0017922, MONDO:0009291, OMIM 232400.

Allele frequency attached by ClinVar (database versions not stated): gnomAD exomes below 0.00001.
gnomAD v4.1: 1 of 1,613,456 alleles (0.000062%); highest among the groups gnomAD compares: Admixed American, 0.0017%; no homozygotes.

Submission:

Labcorp Genetics (formerly Invitae), Labcorp
Classification: Uncertain significance for Glycogen storage disease type III. Last evaluated: 2021-08-27. Review status: criteria provided, single submitter. Criteria: Invitae Variant Classification Sherloc (09022015). Collection method: clinical testing. Allele origin: germline.
Comment: This sequence change replaces lysine with asparagine at codon 362 of the AGL protein (p.Lys362Asn). The lysine residue is weakly conserved and there is a moderate physicochemical difference between lysine and asparagine. This variant is not present in population databases (ExAC no frequency). This variant has not been reported in the literature in individuals affected with AGL-related conditions. Algorithms developed to predict the effect of missense changes on protein structure and function output the following: SIFT: "Tolerated"; PolyPhen-2: "Benign"; Align-GVGD: "Class C0". The asparagine amino acid residue is found in multiple mammalian species, which suggests that this missense change does not adversely affect protein function. In summary, the available evidence is currently insufficient to determine the role of this variant in disease. Therefore, it has been classified as a Variant of Uncertain Significance.

NM_000642.3(AGL):c.1086G>T (p.Lys362Asn)

Gene: AGL (amylo-alpha-1,6-glucosidase and 4-alpha-glucanotransferase; plus strand). Cytogenetic location: 1p21.2.
Variant type: single nucleotide variant.
Coding change: c.1086G>T on transcript NM_000642.3 (MANE Select); coding-DNA position 1086, G replaced by T.
Protein change: p.Lys362Asn; replaces lysine 362 with asparagine.
Molecular consequence: missense variant.
Genome position (GRCh38, 1-based): chr1:99,875,157, G>T. VCF-style: chr1-99875157-G-T. GRCh37 (hg19) VCF-style: chr1-100340713-G-T.
Other names: c.1086G>T, p.Lys362Asn (NM_000028.3, NM_000643.3, NM_000644.3 and 2 more transcripts); c.1038G>T, p.Lys346Asn (NM_000646.3); c.882G>T, p.Lys294Asn (NM_001425328.1, NM_001425329.1); c.708G>T, p.Lys236Asn (NM_001425332.1); short protein forms K362N, K346N, K236N, K294N.
Identifiers: ClinVar variation 1364932 (VCV001364932.1), dbSNP rs1360892895, ClinGen allele CA341344626.